The following is an entry in ClinVar:

Conditions:
Arteriohepatic dysplasia. Also called: Alagille Syndrome. Identifiers: Orphanet 52, MedGen C0085280, MeSH D016738, MONDO:0007318.

gnomAD v4.1: 1 of 1,614,172 alleles (0.000062%); highest among the groups gnomAD compares: Non-Finnish European, 0.000085%; no homozygotes.

Submission:

Gilbert/Spinner Lab, Children's Hospital of Philadelphia
No classification provided (evidence only). Condition: Alagille syndrome. Review status: no classification provided. Collection method: research. Allele origin: not applicable. Functional consequence: functionally_abnormal.
ClinVar note: "not provided" was previously submitted as the classification for the variant. However, the classification appeared to be based only on an observation of functional data so it was converted to no classification on 2025-07-30.

NM_000214.3(JAG1):c.863G>C (p.Trp288Ser)

Gene: JAG1 (jagged canonical Notch ligand 1; minus strand). Cytogenetic location: 20p12.2.
Variant type: single nucleotide variant.
Coding change: c.863G>C on transcript NM_000214.3 (MANE Select); coding-DNA position 863, G replaced by C.
Protein change: p.Trp288Ser; replaces tryptophan 288 with serine.
Molecular consequence: missense variant.
Genome position (GRCh38, 1-based): chr20:10,652,491, C>G on the plus strand (G>C on the coding strand, the complement: JAG1 is on the minus strand). VCF-style: chr20-10652491-C-G. GRCh37 (hg19) VCF-style: chr20-10633139-C-G.
Other names: short protein forms W288S.
Identifiers: ClinVar variation 3573154 (VCV003573154.2).